The following is an entry in ClinVar:

NM_001261826.3(AP3D1):c.1713G>A (p.Arg571=)

Gene: AP3D1 (adaptor related protein complex 3 subunit delta 1; minus strand). Cytogenetic location: 19p13.3.
Variant type: single nucleotide variant.
Coding change: c.1713G>A on transcript NM_001261826.3 (MANE Select); coding-DNA position 1713, G replaced by A.
Protein change: p.Arg571=; no amino-acid change (arginine 571 retained).
Molecular consequence: synonymous variant.
Genome position (GRCh38, 1-based): chr19:2,118,601, C>T on the plus strand (G>A on the coding strand, the complement: AP3D1 is on the minus strand). VCF-style: chr19-2118601-C-T. GRCh37 (hg19) VCF-style: chr19-2118600-C-T.
Other names: c.1713G>A, p.Arg571= (NM_001374799.1, NM_003938.8).
Identifiers: ClinVar variation 2812159 (VCV002812159.3), dbSNP rs2512164082, ClinGen allele CA504909627.

ClinVar aggregate classification (germline): Uncertain significance (1 of 4 stars; one submission).

Submission:

Labcorp Genetics (formerly Invitae), Labcorp
Classification: Uncertain significance. Last evaluated: 2023-08-06. Review status: criteria provided, single submitter. Criteria: Invitae Variant Classification Sherloc (09022015). Collection method: clinical testing. Allele origin: germline.
Comment: Variants that disrupt the consensus splice site are a relatively common cause of aberrant splicing (PMID: 17576681, 9536098). Algorithms developed to predict the effect of sequence changes on RNA splicing suggest that this variant may create or strengthen a splice site. In summary, the available evidence is currently insufficient to determine the role of this variant in disease. Therefore, it has been classified as a Variant of Uncertain Significance. This variant has not been reported in the literature in individuals affected with AP3D1-related conditions. This variant is not present in population databases (gnomAD no frequency). This sequence change affects codon 571 of the AP3D1 mRNA. It is a 'silent' change, meaning that it does not change the encoded amino acid sequence of the AP3D1 protein. This variant also falls at the last nucleotide of exon 15, which is part of the consensus splice site for this exon.

Literature cited by the submitters: PubMed 17576681; PubMed 9536098.